The following is an entry in ClinVar:

ClinVar aggregate classification (germline): Likely pathogenic (1 of 4 stars; one submission).

Conditions:
Familial hypokalemia-hypomagnesemia (GTLMNS). Also called: gitelman syndrome; HYPOMAGNESEMIA-HYPOKALEMIA, PRIMARY RENOTUBULAR, WITH HYPOCALCIURIA; POTASSIUM AND MAGNESIUM DEPLETION. Identifiers: Orphanet 358, MedGen C0268450, MONDO:0009904, OMIM 263800.

Allele frequency attached by ClinVar (database versions not stated): gnomAD exomes 0.00001 and 0.00002; TOPMed below 0.00001; ExAC 0.00002.

Submission:

European Hospital Georges Pompidou Genetics Department, Assistance Publique - Hôpitaux de Paris AP-HP
Classification: Likely pathogenic for Familial hypokalemia-hypomagnesemia. Last evaluated: 2022-04-27. Review status: criteria provided, single submitter. Criteria: ACMG Guidelines, 2015. Collection method: clinical testing. Allele origin: germline. Affected: yes.
Comment: ACMG criteria used: PM1 PM2, PM3, BP4

NM_001126108.2(SLC12A3):c.71C>T (p.Thr24Ile)

Gene: SLC12A3 (solute carrier family 12 member 3; plus strand). Cytogenetic location: 16q13.
Variant type: single nucleotide variant.
Coding change: c.71C>T on transcript NM_001126108.2 (MANE Select); coding-DNA position 71, C replaced by T.
Protein change: p.Thr24Ile; replaces threonine 24 with isoleucine.
Molecular consequence: missense variant.
Genome position (GRCh38, 1-based): chr16:56,865,306, C>T. VCF-style: chr16-56865306-C-T. GRCh37 (hg19) VCF-style: chr16-56899218-C-T.
Other names: c.71C>T, p.Thr24Ile (NM_000339.3, NM_001126107.2); short protein forms T24I.
Identifiers: ClinVar variation 1684159 (VCV001684159.1), dbSNP rs759549058, ClinGen allele CA8068904.